The following is an entry in ClinVar:

ClinVar aggregate classification (germline): Conflicting classifications of pathogenicity. Review status: criteria provided, conflicting classifications (1 of 4 stars). 2 submissions from 2 submitters: Uncertain significance (1); Likely benign (1). Last evaluated 2024-11-17.

Allele frequency attached by ClinVar (database versions not stated): gnomAD exomes 0.00002; ExAC 0.00007; ESP Exome Variant Server 0.00015; gnomAD 0.00022; TOPMed 0.00025.
gnomAD v4.1: 68 of 1,614,044 alleles (0.0042%); highest among the groups gnomAD compares: African/African-American, 0.063%; no homozygotes.

Submissions (2):

Ambry Genetics
Classification: Likely benign. Last evaluated: 2024-11-17. Review status: criteria provided, single submitter. Criteria: Ambry Variant Classification Scheme 2023. Collection method: clinical testing. Allele origin: germline.

Labcorp Genetics (formerly Invitae), Labcorp
Classification: Uncertain significance. Last evaluated: 2024-04-17. Review status: criteria provided, single submitter. Criteria: Invitae Variant Classification Sherloc (09022015). Collection method: clinical testing. Allele origin: germline.
Comment: This sequence change replaces arginine, which is basic and polar, with cysteine, which is neutral and slightly polar, at codon 396 of the ATRIP protein (p.Arg396Cys). This variant is present in population databases (rs373330865, gnomAD 0.07%), and has an allele count higher than expected for a pathogenic variant. This variant has not been reported in the literature in individuals affected with ATRIP-related conditions. ClinVar contains an entry for this variant (Variation ID: 2187395). Algorithms developed to predict the effect of missense changes on protein structure and function output the following: SIFT: "Not Available"; PolyPhen-2: "Benign"; Align-GVGD: "Not Available". The cysteine amino acid residue is found in multiple mammalian species, which suggests that this missense change does not adversely affect protein function. In summary, the available evidence is currently insufficient to determine the role of this variant in disease. Therefore, it has been classified as a Variant of Uncertain Significance.

NM_130384.3(ATRIP):c.1186C>T (p.Arg396Cys)

Genes: ATRIP (ATR interacting protein; plus strand), ATRIP-TREX1 (ATRIP-TREX1 readthrough; plus strand). Cytogenetic location: 3p21.31.
Variant type: single nucleotide variant.
Coding change: c.1186C>T on transcript NM_130384.3 (MANE Select); coding-DNA position 1186, C replaced by T.
Protein change: p.Arg396Cys; replaces arginine 396 with cysteine.
Molecular consequence: missense variant. On other transcripts: non-coding transcript variant (1).
Genome position (GRCh38, 1-based): chr3:48,460,240, C>T. VCF-style: chr3-48460240-C-T. GRCh37 (hg19) VCF-style: chr3-48501639-C-T.
Other names: c.1186C>T, p.Arg396Cys (NM_032166.4); c.805C>T, p.Arg269Cys (NM_001271022.2); c.907C>T, p.Arg303Cys (NM_001271023.2); c.1186C>T (NM_130384.1); short protein forms R303C, R396C, R269C.
Identifiers: ClinVar variation 2187395 (VCV002187395.6), dbSNP rs373330865, ClinGen allele CA2376163.
Genomic context (GRCh38, chr3:48,460,240, plus strand): 5'-AGAGAAGCACAGAACCTGGCATTCACTGGACTGAATCTGGTTGCCCGGAATGAGTGCTCA[C>T]GTGATGGAGACCCAGCAGAGGGAGGCAGAAGGGCCTTCCCACTCTGCCAGCTTCCTGGAG-3'
Protein context (NP_569055.1, residues 386-406): LNLVARNECS[Arg396Cys]DGDPAEGGRR